The following is an entry in ClinVar:

NM_014780.5(CUL7):c.2710C>T (p.Arg904Ter)

Gene: CUL7 (cullin 7; minus strand). Cytogenetic location: 6p21.1.
Variant type: single nucleotide variant.
Coding change: c.2710C>T on transcript NM_014780.5 (MANE Select); coding-DNA position 2710, C replaced by T.
Protein change: p.Arg904Ter; replaces arginine 904 with a stop codon.
Molecular consequence: nonsense.
Genome position (GRCh38, 1-based): chr6:43,046,042, G>A on the plus strand (C>T on the coding strand, the complement: CUL7 is on the minus strand). VCF-style: chr6-43046042-G-A. GRCh37 (hg19) VCF-style: chr6-43013780-G-A.
Other names: c.2806C>T, p.Arg936Ter (NM_001168370.2, NM_001374872.1); c.2710C>T, p.Arg904Ter (NM_001374873.1, NM_001374874.1); short protein forms R904*, R936*.
Identifiers: ClinVar variation 595100 (VCV000595100.6), dbSNP rs760910667, ClinGen allele CA3813734.

ClinVar aggregate classification (germline): Pathogenic. Review status: criteria provided, multiple submitters, no conflicts (2 of 4 stars). 2 submissions from 2 submitters: Pathogenic (2). Last evaluated 2024-10-16.

Conditions:
3-M syndrome. Also called: 3M SYNDROME; 3-MSBN; Three-M slender-boned nanism; Three M syndrome. Identifiers: Orphanet 2616, MedGen C1848862, MONDO:0007477.

Allele frequency attached by ClinVar (database versions not stated): ExAC 0.00001; gnomAD 0.00001.
gnomAD v4.1: 6 of 1,614,012 alleles (0.00037%); highest among the groups gnomAD compares: South Asian, 0.0011%; no homozygotes.

Submissions (2):

Women's Health and Genetics/Laboratory Corporation of America, LabCorp
Classification: Pathogenic for 3-M syndrome. Last evaluated: 2024-10-16. Review status: criteria provided, single submitter. Criteria: LabCorp Variant Classification Summary - May 2015. Collection method: clinical testing. Allele origin: germline.
Comment: Variant summary: CUL7 c.2710C>T (p.Arg904X) results in a premature termination codon, predicted to cause a truncation of the encoded protein or absence of the protein due to nonsense mediated decay, which are commonly known mechanisms for disease. The variant allele was found at a frequency of 8e-06 in 251418 control chromosomes (gnomAD). c.2710C>T has been reported in the literature in a homozygous individual affected with Three M Syndrome 1 (e.g. Huber_2005). To our knowledge, no experimental evidence demonstrating an impact on protein function has been reported. The following publication have been ascertained in the context of this evaluation (PMID: 19225462). ClinVar contains an entry for this variant (Variation ID: 595100). Based on the evidence outlined above, the variant was classified as pathogenic.

Eurofins Ntd Llc (ga)
Classification: Pathogenic. Last evaluated: 2017-12-07. Review status: criteria provided, single submitter. Criteria: EGL Classification Definitions 2015. Collection method: clinical testing. Allele origin: germline. Observed: 1 variant allele, 1 homozygote.

Literature cited by the submitters: PubMed 19225462 (cited by Women's Health and Genetics/Laboratory Corporation of America, LabCorp).